The following is an entry in ClinVar:

ClinVar aggregate classification (germline): Conflicting classifications of pathogenicity. Review status: criteria provided, conflicting classifications (1 of 4 stars). 16 submissions from 16 submitters: Uncertain significance (2); Likely benign (12). 2 of the submissions do not count toward it. Last evaluated 2026-04-20.

Conditions:
ATM-related cancer predisposition. Also called: ATM-related cancer susceptibility. Identifiers: MedGen CN377759, MONDO:0700270.
ATM-related disorder. Also called: ATM-related disorders; ATM-related condition.
Familial colorectal cancer type X. Identifiers: Orphanet 440437, MedGen C3896578, MONDO:0018604.
Breast and/or ovarian cancer. Identifiers: MedGen CN221562.
Hereditary cancer-predisposing syndrome. Also called: Neoplastic Syndromes, Hereditary; Hereditary Cancer Syndrome; Tumor predisposition; Hereditary neoplastic syndrome. Identifiers: Orphanet 140162, MedGen C0027672, MeSH D009386, MONDO:0015356.
Hepatoblastoma. Identifiers: Orphanet 449, MedGen C0206624, MONDO:0018666, HP:0002884.
Familial cancer of breast. Also called: BREAST CANCER, FAMILIAL; hereditary breast carcinoma; Hereditary breast cancer. Identifiers: Orphanet 227535, MedGen C0346153, MONDO:0016419, OMIM 114480. Disease mechanism: loss of function.
Ataxia-telangiectasia syndrome (AT). Also called: Ataxia-telangiectasia, complementation group D; AT, COMPLEMENTATION GROUP C; Ataxia-telangiectasia; ATAXIA-TELANGIECTASIA, COMPLEMENTATION GROUP A; ATAXIA-TELANGIECTASIA, FRESNO VARIANT; Ataxia-telangiectasia, complementation group E. Identifiers: Orphanet 100, MedGen C0004135, MONDO:0008840, OMIM 208900.

Allele frequency attached by ClinVar (database versions not stated): ESP Exome Variant Server 0.00008; TOPMed 0.00045.
gnomAD v4.1: 117 of 1,613,754 alleles (0.0073%); highest among the groups gnomAD compares: African/African-American, 0.14%; no homozygotes.

Submissions (16):

Dasa
Classification: Likely benign for ATM-related cancer predisposition. Last evaluated: 2026-04-20. Review status: criteria provided, single submitter. Criteria: DASA Assertion Criteria. Collection method: clinical testing. Allele origin: germline.
Comment: NM_000051.4(ATM):c.6998C>A (p.Thr2333Lys) is a missense variant that results in the substitution of threonine with lysine. Population frequency is inconsistent with a disease-causing role for this variant. Computational prediction algorithms are consistent with a benign effect. Therefore, based on the currently available evidence, this variant is classified as likely benign.

Women's Health and Genetics/Laboratory Corporation of America, LabCorp
Classification: Likely benign. Last evaluated: 2026-03-30. Review status: criteria provided, single submitter. Criteria: LabCorp Variant Classification Summary - May 2015. Collection method: clinical testing. Allele origin: germline.
Comment: Variant summary: ATM c.6998C>A (p.Thr2333Lys) results in a non-conservative amino acid change located in the PIK-related kinase, FAT domain (IPR003151) of the encoded protein sequence. Algorithms developed to predict the effect of missense changes on protein structure and function are either unavailable or do not agree on the potential impact of this missense change. The variant allele was found at a frequency of 9.6e-05 in 251024 control chromosomes, predominantly at a frequency of 0.0014 within the African or African-American subpopulation in the gnomAD database. The observed variant frequency within African or African-American control individuals in the gnomAD database is approximately 1.4 fold of the estimated maximal expected allele frequency for a pathogenic variant in ATM causing Breast Cancer phenotype (0.001), strongly suggesting that the variant is a benign polymorphism found primarily in populations of African or African-American origin. c.6998C>A has been reported in the literature in individuals affected with breast cancer, hepatoblastoma, colon adenocarcinoma, or primary ovarian insufficiency, all without strong evidence for causality (e.g., Tung_2015, Young_2016, Aguiar_2022, Heddar_2022, Piha-Paul_2024). Additionally, this variant has also been reported in at-least one patient with Ataxia Telangiectasia (AT) who was compound heterozygous for two other deletrious variants in the ATM gene (Micol_2011). Although the phase of this variant relative to either of the deleterious variants was not provided, this finding supports a benign impact for this variant. Taken together, these reports do not provide unequivocal conclusions about association of the variant with Breast Cancer. To our knowledge, no experimental evidence demonstrating an impact on protein function has been reported. The following publications have been ascertained in the context of this evaluation (PMID: 25186627, 26787654, 21665257, 35495172, 36099812, 39085400). ClinVar contains an entry for this variant (Variation ID: 127434). Based on the evidence outlined above, the variant was classified as likely benign.

Labcorp Genetics (formerly Invitae), Labcorp
Classification: Likely benign for Ataxia-telangiectasia syndrome. Last evaluated: 2026-01-26. Review status: criteria provided, single submitter. Criteria: Invitae Variant Classification Sherloc (09022015). Collection method: clinical testing. Allele origin: germline.

Molecular Diagnostics Laboratory, Catalan Institute of Oncology
Classification: Likely benign for Hereditary cancer-predisposing syndrome. Last evaluated: 2024-10-06. Review status: criteria provided, single submitter. Criteria: ClinGen ACMG Specifications ATM V1.1.0. Collection method: clinical testing. Allele origin: germline.
Comment: BS1, BP4 c.6998C>A, located in exon 48 of the ATM gene, is predicted to result in the substitution of threonine by lysine at codon 2333, p.(Thr2333Lys). This variant is found in 28/23606 at a filter allele frequency of 0.084% in the gnomAD v2.1.1 database (African non-cancer data set)(BS1). The SpliceAI algorithm predicts no significant impact on splicing and the REVEL meta-predictor score for this variant (0.116) suggests that it does not affect the protein function (BP4). To our knowledge, functional studies have not been reported for this variant. In addition, it has been reported in ClinVar (10x likely benign, 2x uncertain significance) and LOVD (1x VUS, 2x not provided) databases. Based on currently available information, the variant c.6998C>A is classified as a likely benign variant according to ClinGen-ATM Guidelines version 1.1.

Mayo Clinic Laboratories, Mayo Clinic
Classification: Likely benign. Last evaluated: 2024-09-17. Review status: criteria provided, single submitter. Criteria: ACMG Guidelines, 2015. Collection method: clinical testing. Allele origin: germline. Observed: 2 variant alleles.
Comment: BS1, BP4

Myriad Genetics, Inc.
Classification: Likely benign for Familial cancer of breast. Last evaluated: 2024-06-12. Review status: criteria provided, single submitter. Criteria: Myriad Autosomal Dominant, Autosomal Recessive and X-Linked Classification Criteria (2023). Collection method: clinical testing. Allele origin: unknown.
Comment: This variant is considered likely benign. This variant is strongly associated with less severe personal and family histories of cancer, typical for individuals without pathogenic variants in this gene [PMID: 25085752].

CeGaT Center for Human Genetics Tuebingen
Classification: Likely benign. Last evaluated: 2023-03-01. Review status: criteria provided, single submitter. Criteria: CeGaT Center For Human Genetics Tuebingen Variant Classification Criteria Version 2. Collection method: clinical testing. Allele origin: germline. Affected: yes. Observed: 1 variant allele.
Comment: ATM: BP4

CHEO Genetics Diagnostic Laboratory, Children's Hospital of Eastern Ontario
Classification: Likely benign for Breast and/or ovarian cancer. Last evaluated: 2022-09-15. Review status: criteria provided, single submitter. Criteria: ACMG Guidelines, 2015. Collection method: clinical testing. Allele origin: germline.

Sema4
Classification: Likely benign for Hereditary cancer-predisposing syndrome. Last evaluated: 2021-07-23. Review status: criteria provided, single submitter. Criteria: Sema4 Curation Guidelines. Collection method: curation. Allele origin: germline.

Ambry Genetics
Classification: Likely benign for Hereditary cancer-predisposing syndrome. Last evaluated: 2021-06-28. Review status: criteria provided, single submitter. Criteria: Ambry Variant Classification Scheme 2023. Collection method: clinical testing. Allele origin: germline.

GeneDx
Classification: Likely benign. Last evaluated: 2021-05-04. Review status: criteria provided, single submitter. Criteria: GeneDx Variant Classification Process June 2021. Collection method: clinical testing. Allele origin: germline. Affected: yes.
Comment: In silico analysis, which includes protein predictors and evolutionary conservation, supports that this variant does not alter protein structure/function; This variant is associated with the following publications: (PMID: 26787654, 24413734, 21665257, 19781682, 24618431, 25186627, 29522266)

Department of Pathology and Laboratory Medicine, Sinai Health System
Classification: Uncertain significance for Familial colorectal cancer type X. Last evaluated: 2020-09-16. Review status: criteria provided, single submitter. Criteria: ACMG Guidelines, 2015. Collection method: clinical testing. Allele origin: germline. Affected: yes.

Genetic Services Laboratory, University of Chicago
Classification: Uncertain significance. Last evaluated: 2019-07-14. Review status: criteria provided, single submitter. Criteria: ACMG Guidelines, 2015. Collection method: clinical testing. Allele origin: germline. Affected: no.

Color Diagnostics, LLC DBA Color Health
Classification: Likely benign for Hereditary cancer-predisposing syndrome. Last evaluated: 2015-10-28. Review status: criteria provided, single submitter. Criteria: ACMG Guidelines, 2015. Collection method: clinical testing. Allele origin: germline.

PreventionGenetics, part of Exact Sciences
Classification: Likely benign for ATM-related condition. Last evaluated: 2020-11-14. Review status: no assertion criteria provided. Collection method: clinical testing. Allele origin: germline. Not counted in ClinVar's aggregate classification.
Comment: This variant is classified as likely benign based on ACMG/AMP sequence variant interpretation guidelines (Richards et al. 2015 PMID: 25741868, with internal and published modifications).

Molecular Oncology -  Human Genetics Lab, University of Sao Paulo
Classification: Uncertain significance for Hepatoblastoma. Review status: no assertion criteria provided. Collection method: research. Allele origin: germline. Affected: yes. Not counted in ClinVar's aggregate classification.

Literature cited by the submitters: PubMed 25186627 (cited by 4 submitters); PubMed 26787654 (cited by 4 submitters); PubMed 21665257 (cited by 5 submitters); PubMed 36099812 (cited by Women's Health and Genetics/Laboratory Corporation of America, LabCorp and Mayo Clinic Laboratories, Mayo Clinic); PubMed 35495172 (cited by Women's Health and Genetics/Laboratory Corporation of America, LabCorp and Mayo Clinic Laboratories, Mayo Clinic); PubMed 39085400 (cited by Women's Health and Genetics/Laboratory Corporation of America, LabCorp); PubMed 25085752 (cited by Myriad Genetics, Inc.); PubMed 29522266 (cited by Sema4 and Ambry Genetics); PubMed 33471991 (cited by Sema4).

NM_000051.4(ATM):c.6998C>A (p.Thr2333Lys)

Genes: ATM (ATM serine/threonine kinase; plus strand), C11orf65 (chromosome 11 open reading frame 65; minus strand). Cytogenetic location: 11q22.3.
Variant type: single nucleotide variant.
Coding change: c.6998C>A on transcript NM_000051.4 (MANE Select); coding-DNA position 6998, C replaced by A.
Protein change: p.Thr2333Lys; replaces threonine 2333 with lysine.
Molecular consequence: missense variant. On other transcripts: intron variant (2).
Genome position (GRCh38, 1-based): chr11:108,327,667, C>A. VCF-style: chr11-108327667-C-A. GRCh37 (hg19) VCF-style: chr11-108198394-C-A.
Other names: p.T2333K:ACA>AAA; c.6998C>A, p.Thr2333Lys (NM_001351834.2); c.641-18596G>T (NM_001330368.2); c.*38+7553G>T (NM_001351110.2); short protein forms T2333K.
Identifiers: ClinVar variation 127434 (VCV000127434.60), dbSNP rs150503164, ClinGen allele CA286957.
Genomic context (GRCh38, chr11:108,327,667, plus strand): 5'-AATGCATTATATTTTAAGATTTTGCCTTTCTTATACAGAACAATCCCAGCCTAAAACTTA[C>A]ATACACAGAATGTCTGAGGGTTTGTGGCAACTGGTTAGCAGAAACGTGCTTAGAAAATCC-3'
Protein context (NP_000042.3, residues 2323-2343): CAANNPSLKL[Thr2333Lys]YTECLRVCGN